The following is an entry in ClinVar:

NM_001378969.1(KCND3):c.178C>T (p.Arg60Cys)

Gene: KCND3 (potassium voltage-gated channel subfamily D member 3; minus strand). Cytogenetic location: 1p13.2.
Variant type: single nucleotide variant.
Coding change: c.178C>T on transcript NM_001378969.1 (MANE Select); coding-DNA position 178, C replaced by T.
Protein change: p.Arg60Cys; replaces arginine 60 with cysteine.
Molecular consequence: missense variant.
Genome position (GRCh38, 1-based): chr1:111,982,549, G>A on the plus strand (C>T on the coding strand, the complement: KCND3 is on the minus strand). VCF-style: chr1-111982549-G-A. GRCh37 (hg19) VCF-style: chr1-112525171-G-A.
Other names: c.178C>T, p.Arg60Cys (NM_001378970.1, NM_004980.5, NM_172198.3); short protein forms R60C.
Identifiers: ClinVar variation 2447862 (VCV002447862.3), dbSNP rs768329696, ClinGen allele CA1007639.

ClinVar aggregate classification (germline): Uncertain significance (1 of 4 stars; one submission).

Conditions:
Cardiovascular phenotype. Identifiers: MedGen CN230736.

Allele frequency attached by ClinVar (database versions not stated): ExAC 0.00001; gnomAD 0.00001; TOPMed 0.00001.

Submission:

Ambry Genetics
Classification: Uncertain significance for Cardiovascular phenotype. Last evaluated: 2025-08-12. Review status: criteria provided, single submitter. Criteria: Ambry Variant Classification Scheme 2023. Collection method: clinical testing. Allele origin: germline.
Comment: The p.R60C variant (also known as c.178C>T), located in coding exon 1 of the KCND3 gene, results from a C to T substitution at nucleotide position 178. The arginine at codon 60 is replaced by cysteine, an amino acid with highly dissimilar properties. This amino acid position is conserved. In addition, the in silico prediction for this alteration is inconclusive. Since supporting evidence is limited at this time, the clinical significance of this alteration remains unclear.